The following is an entry in ClinVar:

NM_152383.5(DIS3L2):c.400G>C (p.Glu134Gln)

Gene: DIS3L2 (DIS3 like 3'-5' exoribonuclease 2; plus strand). Cytogenetic location: 2q37.1.
Variant type: single nucleotide variant.
Coding change: c.400G>C on transcript NM_152383.5 (MANE Select); coding-DNA position 400, G replaced by C.
Protein change: p.Glu134Gln; replaces glutamic acid 134 with glutamine.
Molecular consequence: missense variant. On other transcripts: non-coding transcript variant (2).
Genome position (GRCh38, 1-based): chr2:232,087,520, G>C. VCF-style: chr2-232087520-G-C. GRCh37 (hg19) VCF-style: chr2-232952230-G-C.
Other names: c.400G>C, p.Glu134Gln (NM_001257281.2, NM_001257282.2); short protein forms E134Q.
Identifiers: ClinVar variation 1347402 (VCV001347402.6), dbSNP rs2106309270, ClinGen allele CA351154888.

ClinVar aggregate classification (germline): Uncertain significance (1 of 4 stars; one submission).

Conditions:
Perlman syndrome (PRLMNS). Identifiers: Orphanet 2849, MedGen C0796113, MONDO:0009965, OMIM 267000.

Submission:

Labcorp Genetics (formerly Invitae), Labcorp
Classification: Uncertain significance for Perlman syndrome. Last evaluated: 2022-07-19. Review status: criteria provided, single submitter. Criteria: Invitae Variant Classification Sherloc (09022015). Collection method: clinical testing. Allele origin: germline.
Comment: This variant has not been reported in the literature in individuals affected with DIS3L2-related conditions. This variant is not present in population databases (gnomAD no frequency). This sequence change replaces glutamic acid, which is acidic and polar, with glutamine, which is neutral and polar, at codon 134 of the DIS3L2 protein (p.Glu134Gln). In summary, the available evidence is currently insufficient to determine the role of this variant in disease. Therefore, it has been classified as a Variant of Uncertain Significance. Algorithms developed to predict the effect of missense changes on protein structure and function are either unavailable or do not agree on the potential impact of this missense change (SIFT: "Deleterious"; PolyPhen-2: "Benign"; Align-GVGD: "Class C0"). ClinVar contains an entry for this variant (Variation ID: 1347402).